The following is an entry in ClinVar:

NM_001039591.3(USP9X):c.5597T>C (p.Val1866Ala)

Gene: USP9X (ubiquitin specific peptidase 9 X-linked; plus strand). Cytogenetic location: Xp11.4.
Variant type: single nucleotide variant.
Coding change: c.5597T>C on transcript NM_001039591.3 (MANE Select); coding-DNA position 5597, T replaced by C.
Protein change: p.Val1866Ala; replaces valine 1866 with alanine.
Molecular consequence: missense variant.
Genome position (GRCh38, 1-based): chrX:41,216,164, T>C. VCF-style: chrX-41216164-T-C. GRCh37 (hg19) VCF-style: chrX-41075417-T-C.
Other names: c.5597T>C, p.Val1866Ala (NM_001039590.3); c.5612T>C, p.Val1871Ala (NM_001410748.1, NM_001410749.1); short protein forms V1866A, V1871A.
Identifiers: ClinVar variation 2807982 (VCV002807982.3), dbSNP rs2519371145, ClinGen allele CA412791804.

ClinVar aggregate classification (germline): Uncertain significance (1 of 4 stars; one submission).

Submission:

Labcorp Genetics (formerly Invitae), Labcorp
Classification: Uncertain significance. Last evaluated: 2023-08-10. Review status: criteria provided, single submitter. Criteria: Invitae Variant Classification Sherloc (09022015). Collection method: clinical testing. Allele origin: germline.
Comment: This variant has not been reported in the literature in individuals affected with USP9X-related conditions. In summary, the available evidence is currently insufficient to determine the role of this variant in disease. Therefore, it has been classified as a Variant of Uncertain Significance. An algorithm developed to predict the effect of missense changes on protein structure and function (PolyPhen-2) suggests that this variant is likely to be disruptive. This variant is not present in population databases (gnomAD no frequency). This sequence change replaces valine, which is neutral and non-polar, with alanine, which is neutral and non-polar, at codon 1866 of the USP9X protein (p.Val1866Ala).